The following is an entry in ClinVar:

ClinVar aggregate classification (germline): Uncertain significance (1 of 4 stars; one submission).

Conditions:
Inborn genetic diseases. Identifiers: MedGen C0950123, MeSH D030342.

Submission:

Ambry Genetics
Classification: Uncertain significance for Inborn genetic diseases. Last evaluated: 2022-04-26. Review status: criteria provided, single submitter. Criteria: Ambry Variant Classification Scheme 2023. Collection method: clinical testing. Allele origin: germline.
Comment: The p.R324L variant (also known as c.971G>T), located in coding exon 8 of the BUB1B gene, results from a G to T substitution at nucleotide position 971. The arginine at codon 324 is replaced by leucine, an amino acid with dissimilar properties. This amino acid position is conserved. In addition, this alteration is predicted to be tolerated by in silico analysis. Since supporting evidence is limited at this time, the clinical significance of this alteration remains unclear.

NM_001211.6(BUB1B):c.971G>T (p.Arg324Leu)

Gene: BUB1B (BUB1 mitotic checkpoint serine/threonine kinase B; plus strand). Cytogenetic location: 15q15.1.
Variant type: single nucleotide variant.
Coding change: c.971G>T on transcript NM_001211.6 (MANE Select); coding-DNA position 971, G replaced by T.
Protein change: p.Arg324Leu; replaces arginine 324 with leucine.
Molecular consequence: missense variant.
Genome position (GRCh38, 1-based): chr15:40,185,555, G>T. VCF-style: chr15-40185555-G-T. GRCh37 (hg19) VCF-style: chr15-40477756-G-T.
Other names: short protein forms R324L.
Identifiers: ClinVar variation 1767978 (VCV001767978.2), dbSNP rs777880062, ClinGen allele CA391685015.